The following is an entry in ClinVar:

NM_138713.4(NFAT5):c.3652C>T (p.Gln1218Ter)

Gene: NFAT5 (nuclear factor of activated T cells 5; plus strand). Cytogenetic location: 16q22.1.
Variant type: single nucleotide variant.
Coding change: c.3652C>T on transcript NM_138713.4 (MANE Select); coding-DNA position 3652, C replaced by T.
Protein change: p.Gln1218Ter; replaces glutamine 1218 with a stop codon.
Molecular consequence: nonsense.
Genome position (GRCh38, 1-based): chr16:69,693,477, C>T. VCF-style: chr16-69693477-C-T. GRCh37 (hg19) VCF-style: chr16-69727380-C-T.
Other names: c.3652C>T, p.Gln1218Ter (LRG_1332t1); c.3649C>T, p.Gln1217Ter (NM_001113178.3); c.2977C>T, p.Gln993Ter (NM_001367709.1); c.3598C>T, p.Gln1200Ter (NM_006599.4); c.3370C>T, p.Gln1124Ter (NM_138714.4, NM_173214.3, NM_173215.3); short protein forms Q1200*, Q1217*, Q1218*, Q993*, Q1124*.
Identifiers: ClinVar variation 640834 (VCV000640834.6), dbSNP rs1597574388, ClinGen allele CA396513487.

ClinVar aggregate classification (germline): Uncertain significance (1 of 4 stars; one submission).

Conditions:
Immunodeficiency. Identifiers: MedGen C0021051, MONDO:0021094, HP:0002721.

Submission:

Labcorp Genetics (formerly Invitae), Labcorp
Classification: Uncertain significance for Immunodeficiency. Last evaluated: 2022-05-27. Review status: criteria provided, single submitter. Criteria: Invitae Variant Classification Sherloc (09022015). Collection method: clinical testing. Allele origin: germline.
Comment: In summary, the available evidence is currently insufficient to determine the role of this variant in disease. Therefore, it has been classified as a Variant of Uncertain Significance. ClinVar contains an entry for this variant (Variation ID: 640834). This variant has not been reported in the literature in individuals affected with NFAT5-related conditions. This variant is not present in population databases (gnomAD no frequency). This sequence change creates a premature translational stop signal (p.Gln1124*) in the NFAT5 gene. It is expected to result in an absent or disrupted protein product. However, the current clinical and genetic evidence is not sufficient to establish whether loss-of-function variants in NFAT5 cause disease.